The following is an entry in ClinVar:

ClinVar aggregate classification (germline): Likely benign. Review status: criteria provided, multiple submitters, no conflicts (2 of 4 stars). 5 submissions from 3 submitters: Likely benign (5). Last evaluated 2024-08-30.

Conditions:
Amyotrophic lateral sclerosis type 5 (ALS5). Also called: AMYOTROPHIC LATERAL SCLEROSIS 5, JUVENILE. Identifiers: Orphanet 300605, MedGen C1865864, MONDO:0011196, OMIM 602099.
Charcot-Marie-Tooth disease axonal type 2X. Also called: CHARCOT-MARIE-TOOTH DISEASE, AXONAL, AUTOSOMAL RECESSIVE, TYPE 2X; CHARCOT-MARIE-TOOTH NEUROPATHY, TYPE 2X. Identifiers: Orphanet 466775, MedGen C5569024, MONDO:0014726, OMIM 616668.
Hereditary spastic paraplegia 11. Also called: Spastic Paraplegia 11; SPASTIC PARAPLEGIA, AUTOSOMAL RECESSIVE, COMPLICATED, WITH THIN CORPUS CALLOSUM; SPASTIC PARAPLEGIA, AUTOSOMAL RECESSIVE, WITH MENTAL IMPAIRMENT AND THIN CORPUS CALLOSUM; Spastic paraplegia, mental retardation and thin corpus callosum; Nakamura Osame syndrome; Autosomal recessive hereditary spastic paraplegia, mental impairment, and thin corpus callosum. Identifiers: Orphanet 2822, MedGen C1858479, MONDO:0011445, OMIM 604360.

Allele frequency attached by ClinVar (database versions not stated): gnomAD 0.00001; gnomAD exomes 0.00001; ExAC 0.00002; 1000 Genomes Project 30x 0.00016.

Submissions (5):

Labcorp Genetics (formerly Invitae), Labcorp
Classification: Likely benign for Hereditary spastic paraplegia 11. Last evaluated: 2024-08-30. Review status: criteria provided, single submitter. Criteria: Invitae Variant Classification Sherloc (09022015). Collection method: clinical testing. Allele origin: germline.

GeneDx
Classification: Likely benign. Last evaluated: 2018-02-02. Review status: criteria provided, single submitter. Criteria: GeneDx Variant Classification (06012015). Collection method: clinical testing. Allele origin: germline. Affected: yes.
Comment: This variant is considered likely benign or benign based on one or more of the following criteria: it is a conservative change, it occurs at a poorly conserved position in the protein, it is predicted to be benign by multiple in silico algorithms, and/or has population frequency not consistent with disease.

Genome-Nilou Lab
Classification: Likely benign for Amyotrophic lateral sclerosis type 5. Review status: criteria provided, single submitter. Criteria: ACMG Guidelines, 2015. Collection method: clinical testing. Allele origin: germline.

Genome-Nilou Lab
Classification: Likely benign for Charcot-Marie-Tooth disease axonal type 2X. Review status: criteria provided, single submitter. Criteria: ACMG Guidelines, 2015. Collection method: clinical testing. Allele origin: germline.

Genome-Nilou Lab
Classification: Likely benign for Hereditary spastic paraplegia 11. Review status: criteria provided, single submitter. Criteria: ACMG Guidelines, 2015. Collection method: clinical testing. Allele origin: germline.

NM_025137.4(SPG11):c.3292-6dup

Gene: SPG11 (SPG11 vesicle trafficking associated, spatacsin; minus strand). Cytogenetic location: 15q21.1.
Variant type: Duplication.
Coding change: c.3292-6dup on transcript NM_025137.4 (MANE Select); 6 bases into the intron before coding-DNA position 3292, one base duplicated (A; older notation c.3292-6dupA).
Molecular consequence: intron variant.
Genome position (GRCh38, 1-based): chr15:44,608,611, T duplicated on the plus strand (A on the coding strand, the reverse complement: SPG11 is on the minus strand). VCF-style (leftmost placement, unchanged base first): chr15-44608610-G-GT. GRCh37 (hg19) VCF-style: chr15-44900808-G-GT.
Other names: c.3292-6dup (NM_001160227.2); c.3292-6dupA (NM_025137.3).
Identifiers: ClinVar variation 515064 (VCV000515064.10), dbSNP rs777377848, ClinGen allele CA7535006.